The following is an entry in ClinVar:

NM_002334.4(LRP4):c.639C>T (p.Asp213=)

Gene: LRP4 (LDL receptor related protein 4; minus strand). Cytogenetic location: 11p11.2.
Variant type: single nucleotide variant.
Coding change: c.639C>T on transcript NM_002334.4 (MANE Select); coding-DNA position 639, C replaced by T.
Protein change: p.Asp213=; no amino-acid change (aspartic acid 213 retained).
Molecular consequence: synonymous variant.
Genome position (GRCh38, 1-based): chr11:46,898,941, G>A on the plus strand (C>T on the coding strand, the complement: LRP4 is on the minus strand). VCF-style: chr11-46898941-G-A. GRCh37 (hg19) VCF-style: chr11-46920492-G-A.
Other names: p.Asp213=.
Identifiers: ClinVar variation 281776 (VCV000281776.58), dbSNP rs144974139, ClinGen allele CA5970434.

ClinVar aggregate classification (germline): Conflicting classifications of pathogenicity. Review status: criteria provided, conflicting classifications (1 of 4 stars). 6 submissions from 6 submitters: Uncertain significance (2); Likely benign (4). Last evaluated 2026-02-01.

Conditions:
Cenani-Lenz syndactyly syndrome. Also called: SYNDACTYLY, TYPE VII; CENANI SYNDACTYLISM. Identifiers: Orphanet 3258, MedGen C1859309, MONDO:0008931, OMIM 212780.
Congenital myasthenic syndrome 17. Identifiers: Orphanet 590, MedGen C4225377, MONDO:0014578, OMIM 616304.
Sclerosteosis 2 (SOST2). Identifiers: Orphanet 3152, MedGen C3280402, MONDO:0013679, OMIM 614305.

Allele frequency attached by ClinVar (database versions not stated): 1000 Genomes Project 0.00080; gnomAD exomes 0.00106; 1000 Genomes Project 30x 0.00109; ExAC 0.00114; ESP Exome Variant Server 0.00115; gnomAD 0.00122 and 0.00124; TOPMed 0.00126.
gnomAD v4.1: 2,613 of 1,613,822 alleles (0.16%); highest among the groups gnomAD compares: Non-Finnish European, 0.21%; 4 homozygotes.

Submissions (6):

Labcorp Genetics (formerly Invitae), Labcorp
Classification: Likely benign for Cenani-Lenz syndactyly syndrome; Sclerosteosis 2; Congenital myasthenic syndrome 17. Last evaluated: 2026-02-01. Review status: criteria provided, single submitter. Criteria: Invitae Variant Classification Sherloc (09022015). Collection method: clinical testing. Allele origin: germline.

CeGaT Center for Human Genetics Tuebingen
Classification: Likely benign. Last evaluated: 2025-07-01. Review status: criteria provided, single submitter. Criteria: CeGaT Center For Human Genetics Tuebingen Variant Classification Criteria Version 2. Collection method: clinical testing. Allele origin: germline. Affected: yes. Observed: 3 variant alleles.
Comment: LRP4: BP4, BP7

Mayo Clinic Laboratories, Mayo Clinic
Classification: Likely benign. Last evaluated: 2024-12-30. Review status: criteria provided, single submitter. Criteria: ACMG Guidelines, 2015. Collection method: clinical testing. Allele origin: germline. Observed: 2 variant alleles.
Comment: BS1, BP4, BP7

Blueprint Genetics
Classification: Likely benign. Last evaluated: 2024-11-25. Review status: criteria provided, single submitter. Criteria: ACMG Guidelines, 2015. Collection method: clinical testing. Allele origin: germline.

Illumina Laboratory Services, Illumina
Classification: Uncertain significance for Cenani-Lenz syndactyly syndrome. Last evaluated: 2018-01-13. Review status: criteria provided, single submitter. Criteria: ICSL Variant Classification Criteria 13 December 2019. Collection method: clinical testing. Allele origin: germline.

Eurofins Ntd Llc (ga)
Classification: Uncertain significance. Last evaluated: 2015-07-28. Review status: criteria provided, single submitter. Criteria: EGL Classification Definitions 2015. Collection method: clinical testing. Allele origin: germline. Observed: 1 variant allele, 1 heterozygote.